The following is an entry in ClinVar:

ClinVar aggregate classification (germline): Conflicting classifications of pathogenicity. Review status: criteria provided, conflicting classifications (1 of 4 stars). 6 submissions from 6 submitters: Uncertain significance (4); Likely benign (2). Last evaluated 2024-11-20.

Conditions:
Glycogen storage disease type X (GSD10). Also called: Dimauro disease; Glycogen storage disease due to phosphoglycerate mutase deficiency; GSD X; MYOPATHY DUE TO PHOSPHOGLYCERATE MUTASE DEFICIENCY; PGAMM DEFICIENCY; PHOSPHOGLYCERATE MUTASE, MUSCLE, DEFICIENCY OF. Identifiers: Orphanet 97234, MedGen C0268149, MONDO:0009865, OMIM 261670.

Allele frequency attached by ClinVar (database versions not stated): TOPMed 0.00027; gnomAD 0.00029 and 0.00032; ESP Exome Variant Server 0.00031; ExAC 0.00025.
gnomAD v4.1: 649 of 1,614,052 alleles (0.04%); highest among the groups gnomAD compares: Non-Finnish European, 0.05%; no homozygotes.

Submissions (6):

Blueprint Genetics
Classification: Uncertain significance. Last evaluated: 2024-11-20. Review status: criteria provided, single submitter. Criteria: ACMG Guidelines, 2015. Collection method: clinical testing. Allele origin: germline.

Labcorp Genetics (formerly Invitae), Labcorp
Classification: Uncertain significance for Glycogen storage disease type X. Last evaluated: 2023-12-11. Review status: criteria provided, single submitter. Criteria: Invitae Variant Classification Sherloc (09022015). Collection method: clinical testing. Allele origin: germline.
Comment: This sequence change replaces arginine, which is basic and polar, with glutamine, which is neutral and polar, at codon 40 of the PGAM2 protein (p.Arg40Gln). This variant is present in population databases (rs140545494, gnomAD 0.04%). This variant has not been reported in the literature in individuals affected with PGAM2-related conditions. ClinVar contains an entry for this variant (Variation ID: 529224). Advanced modeling of protein sequence and biophysical properties (such as structural, functional, and spatial information, amino acid conservation, physicochemical variation, residue mobility, and thermodynamic stability) performed at Invitae indicates that this missense variant is not expected to disrupt PGAM2 protein function with a negative predictive value of 80%. In summary, the available evidence is currently insufficient to determine the role of this variant in disease. Therefore, it has been classified as a Variant of Uncertain Significance.

CeGaT Center for Human Genetics Tuebingen
Classification: Likely benign. Last evaluated: 2023-11-01. Review status: criteria provided, single submitter. Criteria: CeGaT Center For Human Genetics Tuebingen Variant Classification Criteria Version 2. Collection method: clinical testing. Allele origin: germline. Affected: yes. Observed: 1 variant allele.
Comment: PGAM2: BP4

Pittsburgh Clinical Genomics Laboratory, University of Pittsburgh Medical Center
Classification: Uncertain significance for Glycogen storage disease type X. Last evaluated: 2022-06-03. Review status: criteria provided, single submitter. Criteria: ACMG Guidelines, 2015. Collection method: clinical testing. Allele origin: germline. Inheritance: Autosomal recessive inheritance. Affected: yes.
Comment: This sequence variant is a single nucleotide substitution (G>A) at coding position 119 of the PGAM2 gene that results in an arginine to glutamine amino acid change at residue 40 of the PGAM2 protein. This is a previously reported variant (ClinVar) that has not been observed in the literature in individuals with PGAM2-related disease, to our knowledge. This sequence variant is present in control population datasets (gnomAD database 70/282798 alleles or 0.025%). Multiple bioinformatic tools predict that this variant would be tolerated, and the Arg40 residue is well conserved among the mammalian species examined. Functiol studies testing the effect of this variant on protein structure or activity have not been performed, to our knowledge. At this time, there is insufficient evidence to determine if this variant is pathogenic or benign. Therefore, we consider this to be a variant of uncertain significance. ACMG Criteria: BP4, PM2

GeneDx
Classification: Likely benign. Last evaluated: 2020-09-15. Review status: criteria provided, single submitter. Criteria: GeneDx Variant Classification Process June 2021. Collection method: clinical testing. Allele origin: germline. Affected: yes.
Comment: In silico analysis supports that this missense variant does not alter protein structure/function; This variant is associated with the following publications: (PMID: 27195159)

Illumina Laboratory Services, Illumina
Classification: Uncertain significance for Glycogen storage disease type X. Last evaluated: 2018-01-12. Review status: criteria provided, single submitter. Criteria: ICSL Variant Classification Criteria 13 December 2019. Collection method: clinical testing. Allele origin: germline.

NM_000290.4(PGAM2):c.119G>A (p.Arg40Gln)

Genes: DBNL (drebrin like; plus strand), PGAM2 (phosphoglycerate mutase 2; minus strand). Cytogenetic location: 7p13.
Variant type: single nucleotide variant.
Coding change: c.119G>A on transcript NM_000290.4 (MANE Select); coding-DNA position 119, G replaced by A.
Protein change: p.Arg40Gln; replaces arginine 40 with glutamine.
Molecular consequence: missense variant. On other transcripts: 3 prime UTR variant (6).
Genome position (GRCh38, 1-based): chr7:44,065,411, C>T on the plus strand (G>A on the coding strand, the complement: PGAM2 is on the minus strand). VCF-style: chr7-44065411-C-T. GRCh37 (hg19) VCF-style: chr7-44105010-C-T.
Other names: c.*4495C>T (NM_001014436.3, NM_001122956.2, NM_001284313.2 and 3 more transcripts); short protein forms R40Q.
Identifiers: ClinVar variation 529224 (VCV000529224.37), dbSNP rs140545494, ClinGen allele CA4236668.
Genomic context (GRCh38, chr7:44,065,411, plus strand): 5'-AGCACTGACGTGTAGCAGATGTCAAACTCCATCTTGGCATCCTTGATGGCCTTGGCTCCC[C>T]GCTTGGCCTCCTCGGTCCCCTTTTCACTCAGCTCTGCATCGAACCAGCCACAGAAACGGT-3'
Protein context (NP_000281.2, residues 30-50): LSEKGTEEAK[Arg40Gln]GAKAIKDAKM